The following is an entry in ClinVar:

ClinVar aggregate classification (germline): Uncertain significance (1 of 4 stars; one submission).

Conditions:
Inborn genetic diseases. Identifiers: MedGen C0950123, MeSH D030342.

Submission:

Ambry Genetics
Classification: Uncertain significance for Inborn genetic diseases. Last evaluated: 2026-09-04. Review status: criteria provided, single submitter. Criteria: Ambry Variant Classification Scheme 2023. Collection method: clinical testing. Allele origin: germline.
Comment: The p.C61F variant (also known as c.182G>T), located in coding exon 2 of the MBD4 gene, results from a G to T substitution at nucleotide position 182. The cysteine at codon 61 is replaced by phenylalanine, an amino acid with highly dissimilar properties. This amino acid position is conserved. In addition, this alteration is predicted to be tolerated by in silico analysis. Based on the available evidence, the clinical significance of this variant remains unclear.

NM_001276270.2(MBD4):c.182G>T (p.Cys61Phe)

Gene: MBD4 (methyl-CpG binding domain 4, DNA glycosylase; minus strand). Cytogenetic location: 3q21.3.
Variant type: single nucleotide variant.
Coding change: c.182G>T on transcript NM_001276270.2 (MANE Select); coding-DNA position 182, G replaced by T.
Protein change: p.Cys61Phe; replaces cysteine 61 with phenylalanine.
Molecular consequence: missense variant.
Genome position (GRCh38, 1-based): chr3:129,437,873, C>A on the plus strand (G>T on the coding strand, the complement: MBD4 is on the minus strand). VCF-style: chr3-129437873-C-A. GRCh37 (hg19) VCF-style: chr3-129156716-C-A.
Other names: c.182G>T, p.Cys61Phe (NM_001276271.2, NM_001276272.2, NM_001276273.2 and 1 more transcripts); short protein forms C61F.
Identifiers: ClinVar variation 5024048 (VCV005024048.1).